The following is an entry in ClinVar:

ClinVar aggregate classification (germline): Uncertain significance. Review status: criteria provided, multiple submitters, no conflicts (2 of 4 stars). 3 submissions from 3 submitters: Uncertain significance (2). 1 of the submissions does not count toward it. Last evaluated 2023-02-14.

Conditions:
Inborn genetic diseases. Identifiers: MedGen C0950123, MeSH D030342.
3-methylcrotonyl-CoA carboxylase 1 deficiency (MCC1D). Also called: MCCD TYPE 1; METHYLCROTONYLGLYCINURIA TYPE I; MCC 1 deficiency; 3 Alpha methylcrotonylglycinuria 1. Identifiers: Orphanet 6, MedGen CN028786, MONDO:0008861, OMIM 210200.

Allele frequency attached by ClinVar (database versions not stated): ExAC 0.00007; gnomAD exomes 0.00007 and 0.00009; ESP Exome Variant Server 0.00008; gnomAD 0.00009 and 0.00010; TOPMed 0.00009.
gnomAD v4.1: 141 of 1,613,998 alleles (0.0087%); highest among the groups gnomAD compares: Non-Finnish European, 0.011%; no homozygotes.

Submissions (3):

Ambry Genetics
Classification: Uncertain significance for Inborn genetic diseases. Last evaluated: 2023-02-14. Review status: criteria provided, single submitter. Criteria: Ambry Variant Classification Scheme 2023. Collection method: clinical testing. Allele origin: germline.

Labcorp Genetics (formerly Invitae), Labcorp
Classification: Uncertain significance for 3-methylcrotonyl-CoA carboxylase 1 deficiency. Last evaluated: 2022-09-26. Review status: criteria provided, single submitter. Criteria: Invitae Variant Classification Sherloc (09022015). Collection method: clinical testing. Allele origin: germline.
Comment: This sequence change replaces asparagine, which is neutral and polar, with serine, which is neutral and polar, at codon 603 of the MCCC1 protein (p.Asn603Ser). This variant is present in population databases (rs201745589, gnomAD 0.02%). This variant has not been reported in the literature in individuals affected with MCCC1-related conditions. ClinVar contains an entry for this variant (Variation ID: 970442). Advanced modeling of protein sequence and biophysical properties (such as structural, functional, and spatial information, amino acid conservation, physicochemical variation, residue mobility, and thermodynamic stability) performed at Invitae indicates that this missense variant is not expected to disrupt MCCC1 protein function. Algorithms developed to predict the effect of sequence changes on RNA splicing suggest that this variant may create or strengthen a splice site. In summary, the available evidence is currently insufficient to determine the role of this variant in disease. Therefore, it has been classified as a Variant of Uncertain Significance.

Natera, Inc.
Classification: Uncertain significance for 3-methylcrotonyl-CoA carboxylase 1 deficiency. Last evaluated: 2020-04-23. Review status: no assertion criteria provided. Collection method: clinical testing. Allele origin: germline. Not counted in ClinVar's aggregate classification.

NM_020166.5(MCCC1):c.1808A>G (p.Asn603Ser)

Gene: MCCC1 (methylcrotonyl-CoA carboxylase subunit 1; minus strand). Cytogenetic location: 3q27.1.
Variant type: single nucleotide variant.
Coding change: c.1808A>G on transcript NM_020166.5 (MANE Select); coding-DNA position 1808, A replaced by G.
Protein change: p.Asn603Ser; replaces asparagine 603 with serine.
Molecular consequence: missense variant. On other transcripts: non-coding transcript variant (2).
Genome position (GRCh38, 1-based): chr3:183,022,478, T>C on the plus strand (A>G on the coding strand, the complement: MCCC1 is on the minus strand). VCF-style: chr3-183022478-T-C. GRCh37 (hg19) VCF-style: chr3-182740266-T-C.
Other names: c.1457A>G, p.Asn486Ser (NM_001293273.2); c.1481A>G, p.Asn494Ser (NM_001363880.1); c.1808A>G (NM_020166.3); short protein forms N494S, N486S, N603S.
Identifiers: ClinVar variation 970442 (VCV000970442.10), dbSNP rs201745589, ClinGen allele CA2718644.